The following is an entry in ClinVar:

ClinVar aggregate classification (germline): Likely benign. Review status: criteria provided, multiple submitters, no conflicts (2 of 4 stars). 3 submissions from 3 submitters: Likely benign (3). Last evaluated 2025-09-03.

Conditions:
GDF2-related disorder. Also called: GDF2-related condition.
Cardiovascular phenotype. Identifiers: MedGen CN230736.
Telangiectasia, hereditary hemorrhagic, type 5 (HHT5). Identifiers: Orphanet 774, MedGen C3809710, MONDO:0014217, OMIM 615506.

Allele frequency attached by ClinVar (database versions not stated): gnomAD 0.00001; TOPMed 0.00001; ExAC 0.00002.
gnomAD v4.1: 15 of 1,614,006 alleles (0.00093%); highest among the groups gnomAD compares: Admixed American, 0.005%; no homozygotes.

Submissions (3):

PreventionGenetics, part of Exact Sciences
Classification: Likely benign for GDF2-related condition. Last evaluated: 2025-09-03. Review status: criteria provided, single submitter. Criteria: ACMG Guidelines, 2015. Collection method: clinical testing. Allele origin: germline.
Comment: This variant is classified as likely benign based on ACMG/AMP sequence variant interpretation guidelines (Richards et al. 2015 PMID: 25741868, with internal and published modifications).

Labcorp Genetics (formerly Invitae), Labcorp
Classification: Likely benign for Telangiectasia, hereditary hemorrhagic, type 5. Last evaluated: 2021-12-17. Review status: criteria provided, single submitter. Criteria: Invitae Variant Classification Sherloc (09022015). Collection method: clinical testing. Allele origin: germline.

Ambry Genetics
Classification: Likely benign for Cardiovascular phenotype. Last evaluated: 2021-05-20. Review status: criteria provided, single submitter. Criteria: Ambry Variant Classification Scheme 2023. Collection method: clinical testing. Allele origin: germline.

NM_016204.4(GDF2):c.1095T>C (p.Ala365=)

Gene: GDF2 (growth differentiation factor 2; plus strand). Cytogenetic location: 10q11.22.
Variant type: single nucleotide variant.
Coding change: c.1095T>C on transcript NM_016204.4 (MANE Select); coding-DNA position 1095, T replaced by C.
Protein change: p.Ala365=; no amino-acid change (alanine 365 retained).
Molecular consequence: synonymous variant.
Genome position (GRCh38, 1-based): chr10:47,325,589, T>C. VCF-style: chr10-47325589-T-C. GRCh37 (hg19) VCF-style: chr10-48413773-A-G.
Other names: c.1095T>C (NM_016204.3).
Identifiers: ClinVar variation 1790538 (VCV001790538.8), dbSNP rs782094749, ClinGen allele CA5487949.